The following is an entry in ClinVar:

ClinVar aggregate classification (germline): Uncertain significance (1 of 4 stars; one submission).

Conditions:
Amyotrophic lateral sclerosis type 4 (ALS4). Also called: AMYOTROPHIC LATERAL SCLEROSIS 4, JUVENILE; NEURONOPATHY, DISTAL HEREDITARY MOTOR, WITH PYRAMIDAL FEATURES. Identifiers: Orphanet 357043, MedGen C1865409, MONDO:0011223, OMIM 602433.
Spinocerebellar ataxia, autosomal recessive, with axonal neuropathy 2 (SCAN2). Also called: Ataxia with Oculomotor Apraxia; ATAXIA-OCULOMOTOR APRAXIA 2; Ataxia with Oculomotor Apraxia Type 2; Ataxia-ocular apraxia-2. Identifiers: Orphanet 64753, MedGen C1853761, MONDO:0018996, OMIM 606002.

Allele frequency attached by ClinVar (database versions not stated): gnomAD exomes below 0.00001.
gnomAD v4.1: 2 of 1,605,034 alleles (0.00012%); highest among the groups gnomAD compares: Non-Finnish European, 0.00017%; no homozygotes.

Submission:

Labcorp Genetics (formerly Invitae), Labcorp
Classification: Uncertain significance for Amyotrophic lateral sclerosis type 4; Spinocerebellar ataxia, autosomal recessive, with axonal neuropathy 2. Last evaluated: 2025-10-02. Review status: criteria provided, single submitter. Criteria: Invitae Variant Classification Sherloc (09022015). Collection method: clinical testing. Allele origin: germline.
Comment: This sequence change replaces valine, which is neutral and non-polar, with methionine, which is neutral and non-polar, at codon 2323 of the SETX protein (p.Val2323Met). This variant is not present in population databases (gnomAD no frequency). This variant has not been reported in the literature in individuals affected with SETX-related conditions. ClinVar contains an entry for this variant (Variation ID: 2928480). Invitae Evidence Modeling of protein sequence and biophysical properties (such as structural, functional, and spatial information, amino acid conservation, physicochemical variation, residue mobility, and thermodynamic stability) has been performed for this missense variant. However, the output from this modeling did not meet the statistical confidence thresholds required to predict the impact of this variant on SETX protein function. In summary, the available evidence is currently insufficient to determine the role of this variant in disease. Therefore, it has been classified as a Variant of Uncertain Significance.

NM_015046.7(SETX):c.6967G>A (p.Val2323Met)

Gene: SETX (senataxin; minus strand). Cytogenetic location: 9q34.13.
Variant type: single nucleotide variant.
Coding change: c.6967G>A on transcript NM_015046.7 (MANE Select); coding-DNA position 6967, G replaced by A.
Protein change: p.Val2323Met; replaces valine 2323 with methionine.
Molecular consequence: missense variant.
Genome position (GRCh38, 1-based): chr9:132,275,389, C>T on the plus strand (G>A on the coding strand, the complement: SETX is on the minus strand). VCF-style: chr9-132275389-C-T. GRCh37 (hg19) VCF-style: chr9-135150776-C-T.
Other names: c.6967G>A, p.Val2323Met (NM_001351527.2, NM_001351528.2); short protein forms V2323M.
Identifiers: ClinVar variation 2928480 (VCV002928480.3), dbSNP rs2538863087, ClinGen allele CA375329485.